The following is an entry in ClinVar:

NM_005045.4(RELN):c.7490+300G>A

Gene: RELN (reelin; minus strand). Cytogenetic location: 7q22.1.
Variant type: single nucleotide variant.
Coding change: c.7490+300G>A on transcript NM_005045.4 (MANE Select); 300 bases into the intron after coding-DNA position 7490, G replaced by A.
Molecular consequence: intron variant.
Genome position (GRCh38, 1-based): chr7:103,523,091, C>T on the plus strand (G>A on the coding strand, the complement: RELN is on the minus strand). VCF-style: chr7-103523091-C-T. GRCh37 (hg19) VCF-style: chr7-103163538-C-T.
Other names: c.7490+300G>A (NM_173054.3).
Identifiers: ClinVar variation 673864 (VCV000673864.1), dbSNP rs58264046, ClinGen allele CA163930289.

ClinVar aggregate classification (germline): Benign (1 of 4 stars; one submission).

Allele frequency attached by ClinVar (database versions not stated): gnomAD 0.02355 and 0.02506; TOPMed 0.02631; 1000 Genomes Project 0.02875; 1000 Genomes Project 30x 0.03295.
gnomAD v4.1: 3,544 of 152,268 alleles (2.3%); highest among the groups gnomAD compares: African/African-American, 8.1%; 137 homozygotes.

Submission:

GeneDx
Classification: Benign. Last evaluated: 2018-06-16. Review status: criteria provided, single submitter. Criteria: GeneDx Variant Classification (06012015). Collection method: clinical testing. Allele origin: germline. Affected: yes.
Comment: This variant is considered likely benign or benign based on one or more of the following criteria: it is a conservative change, it occurs at a poorly conserved position in the protein, it is predicted to be benign by multiple in silico algorithms, and/or has population frequency not consistent with disease.